The following is an entry in ClinVar:

ClinVar aggregate classification (germline): Uncertain significance. Review status: criteria provided, multiple submitters, no conflicts (2 of 4 stars). 2 submissions from 2 submitters: Uncertain significance (2). Last evaluated 2022-04-28.

Allele frequency attached by ClinVar (database versions not stated): TOPMed 0.00001; gnomAD 0.00003; ExAC 0.00004; 1000 Genomes Project 30x 0.00016; 1000 Genomes Project 0.00020.
gnomAD v4.1: 28 of 1,614,156 alleles (0.0017%); highest among the groups gnomAD compares: East Asian, 0.0045%; no homozygotes.

Submissions (2):

GeneDx
Classification: Uncertain significance. Last evaluated: 2022-04-28. Review status: criteria provided, single submitter. Criteria: GeneDx Variant Classification Process June 2021. Collection method: clinical testing. Allele origin: germline. Affected: yes.
Comment: Reported with two additional TECTA variants (phase unknown) in a patient with congenital hearing loss in published literature (Sloan-Heggen et al., 2016); In silico analysis supports that this missense variant has a deleterious effect on protein structure/function; This variant is associated with the following publications: (PMID: 31554319, 9590290, 21520338, 26969326)

Labcorp Genetics (formerly Invitae), Labcorp
Classification: Uncertain significance. Last evaluated: 2022-03-24. Review status: criteria provided, single submitter. Criteria: Invitae Variant Classification Sherloc (09022015). Collection method: clinical testing. Allele origin: germline.
Comment: In summary, the available evidence is currently insufficient to determine the role of this variant in disease. Therefore, it has been classified as a Variant of Uncertain Significance. Algorithms developed to predict the effect of missense changes on protein structure and function are either unavailable or do not agree on the potential impact of this missense change (SIFT: "Deleterious"; PolyPhen-2: "Probably Damaging"; Align-GVGD: "Class C0"). This missense change has been observed in individuals with autosomal recessive deafness (PMID: 26969326; Invitae). This variant is present in population databases (rs145520014, gnomAD 0.004%). This sequence change replaces glycine, which is neutral and non-polar, with serine, which is neutral and polar, at codon 850 of the TECTA protein (p.Gly850Ser).

Literature cited by the submitters: PubMed 26969326 (cited by Labcorp Genetics (formerly Invitae), Labcorp).

NM_005422.4(TECTA):c.2548G>A (p.Gly850Ser)

Genes: TBCEL-TECTA (TBCEL-TECTA readthrough; plus strand), TECTA (tectorin alpha; plus strand), LOC126861365 (P300/CBP strongly-dependent group 1 enhancer GRCh37_chr11:121000154-121001353; plus strand). Cytogenetic location: 11q23.3.
Variant type: single nucleotide variant.
Coding change: c.2548G>A on transcript NM_005422.4 (MANE Select); coding-DNA position 2548, G replaced by A.
Protein change: p.Gly850Ser; replaces glycine 850 with serine.
Molecular consequence: missense variant.
Genome position (GRCh38, 1-based): chr11:121,129,818, G>A. VCF-style: chr11-121129818-G-A. GRCh37 (hg19) VCF-style: chr11-121000527-G-A.
Other names: c.3505G>A, p.Gly1169Ser (NM_001378761.1); short protein forms G1169S, G850S.
Identifiers: ClinVar variation 1712725 (VCV001712725.6), dbSNP rs145520014, ClinGen allele CA6327014.